The following is an entry in ClinVar:

NM_133510.4(RAD51B):c.271dup (p.Asp91fs)

Gene: RAD51B (RAD51 paralog B; plus strand). Cytogenetic location: 14q24.1.
Variant type: Duplication.
Coding change: c.271dup on transcript NM_133510.4 (MANE Select); coding-DNA position 271, one base duplicated (G; older notation c.271dupG).
Protein change: p.Asp91fs; shifts the reading frame from aspartic acid 91.
Molecular consequence: frameshift variant. On other transcripts: 5 prime UTR variant (1).
Genome position (GRCh38, 1-based): chr14:67,835,152, G duplicated; the last of 2 consecutive G bases (chr14:67,835,151-67,835,152); duplicating either gives the same sequence. VCF-style (leftmost placement, unchanged base first): chr14-67835150-T-TG. GRCh37 (hg19) VCF-style: chr14-68301867-T-TG.
Other names: c.271dup, p.Asp91fs (NM_001321809.2, NM_001321810.2, NM_001321812.1 and 6 more transcripts); c.157dup, p.Asp53fs (NM_001321815.1); c.-185dup (NM_001321817.2); short protein forms D53fs, D91fs.
Identifiers: ClinVar variation 4862867 (VCV004862867.1).

ClinVar aggregate classification (germline): Uncertain significance (1 of 4 stars; one submission).

Submission:

Ambry Genetics
Classification: Uncertain significance. Last evaluated: 2026-04-24. Review status: criteria provided, single submitter. Criteria: Ambry Variant Classification Scheme 2023. Collection method: clinical testing. Allele origin: germline.
Comment: The c.271dupG variant, located in coding exon 3 of the RAD51B gene, results from a duplication of G at nucleotide position 271, causing a translational frameshift with a predicted alternate stop codon (p.D91Gfs*52). The evidence for this gene-disease relationship is limited; therefore, the clinical significance of this variant is unclear.